The following is an entry in ClinVar:

NM_000051.4(ATM):c.6630G>A (p.Gln2210=)

Genes: ATM (ATM serine/threonine kinase; plus strand), C11orf65 (chromosome 11 open reading frame 65; minus strand). Cytogenetic location: 11q22.3.
Variant type: single nucleotide variant.
Coding change: c.6630G>A on transcript NM_000051.4 (MANE Select); coding-DNA position 6630, G replaced by A.
Protein change: p.Gln2210=; no amino-acid change (glutamine 2210 retained).
Molecular consequence: synonymous variant. On other transcripts: intron variant (2).
Genome position (GRCh38, 1-based): chr11:108,325,367, G>A. VCF-style: chr11-108325367-G-A. GRCh37 (hg19) VCF-style: chr11-108196094-G-A.
Other names: c.6630G>A, p.Gln2210= (NM_001351834.2); c.641-16296C>T (NM_001330368.2); c.*38+9853C>T (NM_001351110.2).
Identifiers: ClinVar variation 482663 (VCV000482663.20), dbSNP rs777515589, ClinGen allele CA6265991.

ClinVar aggregate classification (germline): Benign/Likely benign. Review status: criteria provided, multiple submitters, no conflicts (2 of 4 stars). 6 submissions from 6 submitters: Benign (2); Likely benign (4). Last evaluated 2025-12-08.

Conditions:
Hereditary cancer-predisposing syndrome. Also called: Neoplastic Syndromes, Hereditary; Hereditary Cancer Syndrome; Tumor predisposition; Hereditary neoplastic syndrome. Identifiers: Orphanet 140162, MedGen C0027672, MeSH D009386, MONDO:0015356.
Familial cancer of breast. Also called: Hereditary breast cancer; BREAST CANCER, FAMILIAL; hereditary breast carcinoma. Identifiers: Orphanet 227535, MedGen C0346153, MONDO:0016419, OMIM 114480. Disease mechanism: loss of function.
Ataxia-telangiectasia syndrome (AT). Also called: LOUIS-BAR SYNDROME; Cerebello-oculocutaneous telangiectasia; Immunodeficiency with ataxia telangiectasia; Ataxia-telangiectasia, complementation group D; AT, COMPLEMENTATION GROUP C; Ataxia-telangiectasia, complementation group E. Identifiers: Orphanet 100, MedGen C0004135, MONDO:0008840, OMIM 208900.

Allele frequency attached by ClinVar (database versions not stated): ExAC 0.00001; gnomAD 0.00001; gnomAD exomes 0.00001 and below 0.00001.
gnomAD v4.1: 15 of 1,611,378 alleles (0.00093%); highest among the groups gnomAD compares: Middle Eastern, 0.016%; no homozygotes.

Submissions (6):

Labcorp Genetics (formerly Invitae), Labcorp
Classification: Likely benign for Ataxia-telangiectasia syndrome. Last evaluated: 2025-12-08. Review status: criteria provided, single submitter. Criteria: Invitae Variant Classification Sherloc (09022015). Collection method: clinical testing. Allele origin: germline.

KCCC/NGS Laboratory, Kuwait Cancer Control Center
Classification: Benign for Familial cancer of breast. Last evaluated: 2025-02-01. Review status: criteria provided, single submitter. Criteria: ACMG Guidelines, 2015. Collection method: clinical testing. Allele origin: germline. Affected: no.

Myriad Genetics, Inc.
Classification: Benign for Familial cancer of breast. Last evaluated: 2024-06-07. Review status: criteria provided, single submitter. Criteria: Myriad Autosomal Dominant, Autosomal Recessive and X-Linked Classification Criteria (2023). Collection method: clinical testing. Allele origin: unknown.
Comment: This variant is considered benign. This variant is a silent/synonymous amino acid change and it is not expected to impact splicing.

GeneDx
Classification: Likely benign. Last evaluated: 2019-01-22. Review status: criteria provided, single submitter. Criteria: GeneDx Variant Classification Process June 2021. Collection method: clinical testing. Allele origin: germline. Affected: yes.

Color Diagnostics, LLC DBA Color Health
Classification: Likely benign for Hereditary cancer-predisposing syndrome. Last evaluated: 2017-01-03. Review status: criteria provided, single submitter. Criteria: ACMG Guidelines, 2015. Collection method: clinical testing. Allele origin: germline.

Ambry Genetics
Classification: Likely benign for Hereditary cancer-predisposing syndrome. Last evaluated: 2016-12-02. Review status: criteria provided, single submitter. Criteria: Ambry Variant Classification Scheme 2023. Collection method: clinical testing. Allele origin: germline.